The following is an entry in ClinVar:

ClinVar aggregate classification (germline): Likely benign. Review status: criteria provided, single submitter (1 of 4 stars). 2 submissions from 2 submitters: Likely benign (1). 1 of the submissions does not count toward it. Last evaluated 2025-05-23.

Conditions:
DICER1-related disorder. Also called: DICER1-related condition.
DICER1-related tumor predisposition. Also called: DICER1 syndrome; DICER1-related pleuropulmonary blastoma cancer predisposition syndrome. Identifiers: Orphanet 284343, MedGen C3839822, MONDO:0100216.

Allele frequency attached by ClinVar (database versions not stated): gnomAD exomes below 0.00001; ExAC 0.00001; gnomAD 0.00002; TOPMed 0.00002; ESP Exome Variant Server 0.00008.
gnomAD v4.1: 4 of 1,607,124 alleles (0.00025%); highest among the groups gnomAD compares: African/African-American, 0.0053%; no homozygotes.

Submissions (2):

Labcorp Genetics (formerly Invitae), Labcorp
Classification: Likely benign for DICER1-related tumor predisposition. Last evaluated: 2025-05-23. Review status: criteria provided, single submitter. Criteria: Invitae Variant Classification Sherloc (09022015). Collection method: clinical testing. Allele origin: germline.

PreventionGenetics, part of Exact Sciences
Classification: Likely benign for DICER1-related condition. Last evaluated: 2023-12-13. Review status: no assertion criteria provided. Collection method: clinical testing. Allele origin: germline. Not counted in ClinVar's aggregate classification.
Comment: This variant is classified as likely benign based on ACMG/AMP sequence variant interpretation guidelines (Richards et al. 2015 PMID: 25741868, with internal and published modifications).

NM_177438.3(DICER1):c.1376+6T>C

Gene: DICER1 (dicer 1, ribonuclease III; minus strand). Cytogenetic location: 14q32.13.
Variant type: single nucleotide variant.
Coding change: c.1376+6T>C on transcript NM_177438.3 (MANE Select); 6 bases into the intron after coding-DNA position 1376, T replaced by C.
Molecular consequence: intron variant.
Genome position (GRCh38, 1-based): chr14:95,124,190, A>G on the plus strand (T>C on the coding strand, the complement: DICER1 is on the minus strand). VCF-style: chr14-95124190-A-G. GRCh37 (hg19) VCF-style: chr14-95590527-A-G.
Other names: c.1376+6T>C (NM_001291628.2, NM_030621.4, NM_001271282.3 and 1 more transcripts).
Identifiers: ClinVar variation 1024430 (VCV001024430.12), dbSNP rs376417986, ClinGen allele CA7331503.